The following is an entry in ClinVar:

NM_181523.3(PIK3R1):c.1728G>T (p.Thr576=)

Gene: PIK3R1 (phosphoinositide-3-kinase regulatory subunit 1; plus strand). Cytogenetic location: 5q13.1.
Variant type: single nucleotide variant.
Coding change: c.1728G>T on transcript NM_181523.3 (MANE Select); coding-DNA position 1728, G replaced by T.
Protein change: p.Thr576=; no amino-acid change (threonine 576 retained).
Molecular consequence: synonymous variant.
Genome position (GRCh38, 1-based): chr5:68,295,307, G>T. VCF-style: chr5-68295307-G-T. GRCh37 (hg19) VCF-style: chr5-67591135-G-T.
Other names: p.Thr576=; c.639G>T, p.Thr213= (NM_001242466.2); c.918G>T, p.Thr306= (NM_181504.4); c.828G>T, p.Thr276= (NM_181524.2).
Identifiers: ClinVar variation 1648416 (VCV001648416.9), dbSNP rs149090706, ClinGen allele CA3290465.

ClinVar aggregate classification (germline): Likely benign. Review status: criteria provided, multiple submitters, no conflicts (2 of 4 stars). 2 submissions from 2 submitters: Likely benign (2). Last evaluated 2025-09-05.

Conditions:
SHORT syndrome. Also called: LIPODYSTROPHY, PARTIAL, WITH RIEGER ANOMALY AND SHORT STATURE; SHORT STATURE, HYPEREXTENSIBILITY, HERNIA, OCULAR DEPRESSION, RIEGER ANOMALY, AND TEETHING DELAY; PIK3R1-Related SHORT Syndrome. Identifiers: Orphanet 3163, MedGen C0878684, MONDO:0010026, OMIM 269880.
Agammaglobulinemia 7, autosomal recessive (AGM7). Also called: AGAMMAGLOBULINEMIA, AUTOSOMAL RECESSIVE, DUE TO PIK3R1 DEFECT. Identifiers: MedGen C3554689, MONDO:0014083, OMIM 615214.
Immunodeficiency 36 with lymphoproliferation. Also called: Immunodeficiency 36; ACTIVATED PI3K-DELTA SYNDROME 2; Activated PI3K Delta Syndrome Type 2 (APDS2). Identifiers: Orphanet 397596, Orphanet 693681, MedGen C4014934, MONDO:0014453, OMIM 616005.

gnomAD v4.1: 51 of 1,613,936 alleles (0.0032%); highest among the groups gnomAD compares: Non-Finnish European, 0.0038%; no homozygotes.

Submissions (2):

Mayo Clinic Laboratories, Mayo Clinic
Classification: Likely benign. Last evaluated: 2025-09-05. Review status: criteria provided, single submitter. Criteria: ACMG Guidelines, 2015. Collection method: clinical testing. Allele origin: germline. Observed: 1 variant allele.
Comment: BS1, BP4, BP7

Labcorp Genetics (formerly Invitae), Labcorp
Classification: Likely benign for SHORT syndrome; Immunodeficiency 36 with lymphoproliferation; Agammaglobulinemia 7, autosomal recessive. Last evaluated: 2025-02-10. Review status: criteria provided, single submitter. Criteria: Invitae Variant Classification Sherloc (09022015). Collection method: clinical testing. Allele origin: germline.